The following is an entry in ClinVar:

NM_001353921.2(ARHGEF9):c.1184T>C (p.Met395Thr)

Gene: ARHGEF9 (Cdc42 guanine nucleotide exchange factor 9; minus strand). Cytogenetic location: Xq11.1.
Variant type: single nucleotide variant.
Coding change: c.1184T>C on transcript NM_001353921.2 (MANE Select); coding-DNA position 1184, T replaced by C.
Protein change: p.Met395Thr; replaces methionine 395 with threonine.
Molecular consequence: missense variant. On other transcripts: intron variant (2).
Genome position (GRCh38, 1-based): chrX:63,655,631, A>G on the plus strand (T>C on the coding strand, the complement: ARHGEF9 is on the minus strand). VCF-style: chrX-63655631-A-G. GRCh37 (hg19) VCF-style: chrX-62875511-A-G.
Other names: c.1004T>C, p.Met335Thr (NM_001173479.2); c.857T>C, p.Met286Thr (NM_001173480.2, NM_001369042.1); c.1100T>C, p.Met367Thr (NM_001330495.2, NM_001369033.1, NM_001369034.1 and 4 more transcripts); c.1052T>C, p.Met351Thr (NM_001353922.2); c.1202T>C, p.Met401Thr (NM_001353923.1); c.983T>C, p.Met328Thr (NM_001353924.2, NM_001353926.2, NM_001369039.1 and 1 more transcripts); c.968T>C, p.Met323Thr (NM_001353927.2, NM_001369041.1); c.1031T>C, p.Met344Thr (NM_001353928.2); and 3 more; short protein forms M344T, M351T, M401T, M286T, M323T, M335T, M388T, M395T.
Identifiers: ClinVar variation 3719318 (VCV003719318.2).

ClinVar aggregate classification (germline): Uncertain significance (1 of 4 stars; one submission).

Conditions:
Developmental and epileptic encephalopathy, 8 (DEE8). Also called: HYPEREKPLEXIA AND EPILEPSY. Identifiers: Orphanet 163985, Orphanet 2076, MedGen C1845102, MONDO:0010375, OMIM 300607.

gnomAD v4.1: 1 of 1,209,707 alleles (0.000083%); highest among the groups gnomAD compares: South Asian, 0.0018%; no homozygotes.

Submission:

Labcorp Genetics (formerly Invitae), Labcorp
Classification: Uncertain significance for Developmental and epileptic encephalopathy, 8. Last evaluated: 2024-04-17. Review status: criteria provided, single submitter. Criteria: Invitae Variant Classification Sherloc (09022015). Collection method: clinical testing. Allele origin: germline.
Comment: This sequence change replaces methionine, which is neutral and non-polar, with threonine, which is neutral and polar, at codon 388 of the ARHGEF9 protein (p.Met388Thr). This variant is not present in population databases (gnomAD no frequency). This variant has not been reported in the literature in individuals affected with ARHGEF9-related conditions. Advanced modeling of protein sequence and biophysical properties (such as structural, functional, and spatial information, amino acid conservation, physicochemical variation, residue mobility, and thermodynamic stability) has been performed at Invitae for this missense variant, however the output from this modeling did not meet the statistical confidence thresholds required to predict the impact of this variant on ARHGEF9 protein function. In summary, the available evidence is currently insufficient to determine the role of this variant in disease. Therefore, it has been classified as a Variant of Uncertain Significance.